The following is an entry in ClinVar:

ClinVar aggregate classification (germline): Likely benign (1 of 4 stars; one submission).

Conditions:
MTFMT-related disorder. Also called: MTFMT-related condition.

Submission:

PreventionGenetics, part of Exact Sciences
Classification: Likely benign for MTFMT-related condition. Last evaluated: 2025-02-17. Review status: criteria provided, single submitter. Criteria: ACMG Guidelines, 2015. Collection method: clinical testing. Allele origin: germline.
Comment: This variant is classified as likely benign based on ACMG/AMP sequence variant interpretation guidelines (Richards et al. 2015 PMID: 25741868, with internal and published modifications).

NM_139242.4(MTFMT):c.-6G>C

Genes: MTFMT (mitochondrial methionyl-tRNA formyltransferase; minus strand), LOC130057309 (ATAC-STARR-seq lymphoblastoid silent region 6550; plus strand). Cytogenetic location: 15q22.31.
Variant type: single nucleotide variant.
Coding change: c.-6G>C on transcript NM_139242.4 (MANE Select); 6 bases upstream of the start codon, G replaced by C.
Molecular consequence: 5 prime UTR variant.
Genome position (GRCh38, 1-based): chr15:65,029,619, C>G on the plus strand (G>C on the coding strand, the complement: MTFMT is on the minus strand). VCF-style: chr15-65029619-C-G. GRCh37 (hg19) VCF-style: chr15-65321957-C-G.
Identifiers: ClinVar variation 4987085 (VCV004987085.1).